The following is an entry in ClinVar:

NM_005228.5(EGFR):c.833A>G (p.Asp278Gly)

Gene: EGFR (epidermal growth factor receptor; plus strand). Cytogenetic location: 7p11.2.
Variant type: single nucleotide variant.
Coding change: c.833A>G on transcript NM_005228.5 (MANE Select); coding-DNA position 833, A replaced by G.
Protein change: p.Asp278Gly; replaces aspartic acid 278 with glycine.
Molecular consequence: missense variant. On other transcripts: intron variant (1).
Genome position (GRCh38, 1-based): chr7:55,154,096, A>G. VCF-style: chr7-55154096-A-G. GRCh37 (hg19) VCF-style: chr7-55221789-A-G.
Other names: c.698A>G, p.Asp233Gly (NM_001346897.2, NM_001346899.2); c.833A>G, p.Asp278Gly (NM_001346898.2, NM_201282.2, NM_201283.2 and 1 more transcripts); c.674A>G, p.Asp225Gly (NM_001346900.2); c.89-1734A>G (NM_001346941.2); short protein forms D225G, D278G, D233G.
Identifiers: ClinVar variation 4750382 (VCV004750382.1).

ClinVar aggregate classification (germline): Uncertain significance (1 of 4 stars; one submission).

Conditions:
EGFR-related lung cancer (EGFR). Identifiers: MedGen CN130014.

Submission:

Labcorp Genetics (formerly Invitae), Labcorp
Classification: Uncertain significance for EGFR-related lung cancer. Last evaluated: 2025-03-27. Review status: criteria provided, single submitter. Criteria: Invitae Variant Classification Sherloc (09022015). Collection method: clinical testing. Allele origin: germline.
Comment: This sequence change replaces aspartic acid, which is acidic and polar, with glycine, which is neutral and non-polar, at codon 278 of the EGFR protein (p.Asp278Gly). This variant is not present in population databases (gnomAD no frequency). This variant has not been reported in the literature in individuals affected with EGFR-related conditions. Invitae Evidence Modeling of protein sequence and biophysical properties (such as structural, functional, and spatial information, amino acid conservation, physicochemical variation, residue mobility, and thermodynamic stability) indicates that this missense variant is not expected to disrupt EGFR protein function with a negative predictive value of 80%. In summary, the available evidence is currently insufficient to determine the role of this variant in disease. Therefore, it has been classified as a Variant of Uncertain Significance.